The following is an entry in ClinVar:

ClinVar aggregate classification (germline): Pathogenic (1 of 4 stars; one submission).

Conditions:
Hereditary nonpolyposis colon cancer (HNPCC). Also called: Hereditary nonpolyposis colorectal cancer; Familial nonpolyposis colon cancer; Hereditary Nonpolyposis Colorectal Cancer Syndrome. Identifiers: Orphanet 443909, MedGen C1333990, MONDO:0018630. Disease mechanism: loss of function.

Submission:

Women's Health and Genetics/Laboratory Corporation of America, LabCorp
Classification: Pathogenic for Hereditary nonpolyposis colon cancer. Last evaluated: 2025-03-28. Review status: criteria provided, single submitter. Criteria: LabCorp Variant Classification Summary - May 2015. Collection method: clinical testing. Allele origin: germline.
Comment: Variant summary: MSH6 c.3705_3708delTGCT (p.Ala1236ArgfsX3) results in a premature termination codon, predicted to cause a truncation of the encoded protein or absence of the protein due to nonsense mediated decay, which are commonly known mechanisms for disease. The variant was absent in 251218 control chromosomes. To our knowledge, no occurrence of c.3705_3708delTGCT in individuals affected with Hereditary Nonpolyposis Colorectal Cancer and no experimental evidence demonstrating its impact on protein function have been reported. No submitters have cited clinical-significance assessments for this variant to ClinVar. Based on the evidence outlined above, the variant was classified as pathogenic.

NM_000179.3(MSH6):c.3705_3708del (p.Ala1236fs)

Gene: MSH6 (mutS homolog 6; plus strand). Cytogenetic location: 2p16.3.
Variant type: Deletion.
Coding change: c.3705_3708del on transcript NM_000179.3 (MANE Select); coding-DNA positions 3705 to 3708, 4 bases deleted (TGCT; older notation c.3705_3708delTGCT).
Protein change: p.Ala1236fs; shifts the reading frame from alanine 1236.
Molecular consequence: frameshift variant. On other transcripts: non-coding transcript variant (5).
Genome position (GRCh38, 1-based): chr2:47,806,262-47,806,265, TGCT deleted; deleting any 4 consecutive bases within chr2:47,806,260-47,806,265 gives the same sequence; the c. name uses the placement nearest the transcript's 3' end. VCF-style (leftmost placement, unchanged base first): chr2-47806259-ACTTG-A. GRCh37 (hg19) VCF-style: chr2-48033398-ACTTG-A.
Other names: c.3315_3318del, p.Ala1106fs (NM_001281492.2); c.2799_2802del, p.Ala934fs (NM_001281493.2, NM_001281494.2, NM_001406811.1 and 6 more transcripts); c.3801_3804del, p.Ala1268fs (NM_001406795.1, NM_001406802.1); c.3705_3708del, p.Ala1236fs (NM_001406796.1, NM_001406800.1, NM_001406808.1 and 1 more transcripts); c.3408_3411del, p.Ala1137fs (NM_001406797.1, NM_001406801.1, NM_001406805.1 and 10 more transcripts); c.3531_3534del, p.Ala1178fs (NM_001406798.1); c.3180_3183del, p.Ala1061fs (NM_001406799.1, NM_001406806.1, NM_001406807.1); c.2841_2844del, p.Ala948fs (NM_001406803.1); and 8 more; short protein forms A1061fs, A1106fs, A1137fs, A1178fs, A1180fs, A1210fs, A1236fs, A1238fs.
Identifiers: ClinVar variation 3895891 (VCV003895891.1).